The following is an entry in ClinVar:

ClinVar aggregate classification (germline): Uncertain significance. Review status: criteria provided, multiple submitters, no conflicts (2 of 4 stars). 2 submissions from 2 submitters: Uncertain significance (2). Last evaluated 2026-08-03.

Conditions:
Inborn genetic diseases. Identifiers: MedGen C0950123, MeSH D030342.

Allele frequency attached by ClinVar (database versions not stated): 1000 Genomes Project 30x 0.00016; TOPMed 0.00005; ExAC 0.00002; gnomAD 0.00002 and 0.00003; 1000 Genomes Project 0.00020; gnomAD exomes 0.00004.
gnomAD v4.1: 63 of 1,613,924 alleles (0.0039%); highest among the groups gnomAD compares: Admixed American, 0.0083%; no homozygotes.

Submissions (2):

Ambry Genetics
Classification: Uncertain significance for Inborn genetic diseases. Last evaluated: 2026-08-03. Review status: criteria provided, single submitter. Criteria: Ambry Variant Classification Scheme 2023. Collection method: clinical testing. Allele origin: germline.
Comment: The c.7634G>A (p.R2545Q) alteration is located in exon 43 (coding exon 42) of the MYO18B gene. This alteration results from a G to A substitution at nucleotide position 7634, causing the arginine (R) at amino acid position 2545 to be replaced by a glutamine (Q). Based on data from gnomAD, the A allele has an overall frequency of 0.004% (10/248644) total alleles studied. The highest observed frequency was 0.011% (2/17948) of East Asian alleles. Based on insufficient or conflicting evidence, the clinical significance of this alteration remains unclear.

Labcorp Genetics (formerly Invitae), Labcorp
Classification: Uncertain significance. Last evaluated: 2025-11-21. Review status: criteria provided, single submitter. Criteria: Invitae Variant Classification Sherloc (09022015). Collection method: clinical testing. Allele origin: germline.
Comment: This sequence change replaces arginine, which is basic and polar, with glutamine, which is neutral and polar, at codon 2545 of the MYO18B protein (p.Arg2545Gln). This variant is present in population databases (rs536991088, gnomAD 0.01%). This variant has not been reported in the literature in individuals affected with MYO18B-related conditions. ClinVar contains an entry for this variant (Variation ID: 1352120). An algorithm developed to predict the effect of missense changes on protein structure and function (PolyPhen-2) suggests that this variant is likely to be tolerated. In summary, the available evidence is currently insufficient to determine the role of this variant in disease. Therefore, it has been classified as a Variant of Uncertain Significance.

NM_032608.7(MYO18B):c.7634G>A (p.Arg2545Gln)

Gene: MYO18B (myosin XVIIIB; plus strand). Cytogenetic location: 22q12.1.
Variant type: single nucleotide variant.
Coding change: c.7634G>A on transcript NM_032608.7 (MANE Select); coding-DNA position 7634, G replaced by A.
Protein change: p.Arg2545Gln; replaces arginine 2545 with glutamine.
Molecular consequence: missense variant.
Genome position (GRCh38, 1-based): chr22:26,027,608, G>A. VCF-style: chr22-26027608-G-A. GRCh37 (hg19) VCF-style: chr22-26423574-G-A.
Other names: c.7634G>A (NM_032608.5); c.7637G>A, p.Arg2546Gln (NM_001318245.2); short protein forms R2546Q, R2545Q.
Identifiers: ClinVar variation 1352120 (VCV001352120.9), dbSNP rs536991088, ClinGen allele CA10161834.